The following is an entry in ClinVar:

ClinVar aggregate classification (germline): Pathogenic (1 of 4 stars; one submission).

Conditions:
Severe X-linked myotubular myopathy (CNMX). Also called: MYOTUBULAR MYOPATHY 1; Myotubular myopathy, X-linked; X-linked centronuclear myopathy. Identifiers: Orphanet 596, MedGen C0410203, MONDO:0010683, OMIM 310400.

Submission:

Labcorp Genetics (formerly Invitae), Labcorp
Classification: Pathogenic for Severe X-linked myotubular myopathy. Last evaluated: 2023-12-25. Review status: criteria provided, single submitter. Criteria: Invitae Variant Classification Sherloc (09022015). Collection method: clinical testing. Allele origin: unknown.
Comment: This variant is a gross deletion of the genomic region encompassing exon(s) 4-6 of the MTM1 gene. This deletion is out-of-frame, and is expected to create a premature termination codon and result in an absent or disrupted protein product. Loss-of-function variants in MTM1 are known to be pathogenic (PMID: 9305655, 10063835). This variant has not been reported in the literature in individuals affected with MTM1-related conditions. For these reasons, this variant has been classified as Pathogenic.

Literature cited by the submitters: PubMed 9305655; PubMed 10063835.

NC_000023.10:g.(?_149767036)_(149787632_?)del

Gene: MTM1 (myotubularin 1; plus strand). Cytogenetic location: Xq28.
Variant type: Deletion.
Identifiers: ClinVar variation 3243944 (VCV003243944.1).